The following is an entry in ClinVar:

NM_052947.4(ALPK2):c.3945A>C (p.Lys1315Asn)

Genes: ALPK2 (alpha kinase 2; minus strand), LOC126862764 (BRD4-independent group 4 enhancer GRCh37_chr18:56202574-56203773; plus strand). Cytogenetic location: 18q21.31.
Variant type: single nucleotide variant.
Coding change: c.3945A>C on transcript NM_052947.4 (MANE Select); coding-DNA position 3945, A replaced by C.
Protein change: p.Lys1315Asn; replaces lysine 1315 with asparagine.
Molecular consequence: missense variant.
Genome position (GRCh38, 1-based): chr18:58,536,242, T>G on the plus strand (A>C on the coding strand, the complement: ALPK2 is on the minus strand). VCF-style: chr18-58536242-T-G. GRCh37 (hg19) VCF-style: chr18-56203474-T-G.
Other names: short protein forms K1315N.
Identifiers: ClinVar variation 1736379 (VCV001736379.2), dbSNP rs2518875683, ClinGen allele CA402565067.

ClinVar aggregate classification (germline): Uncertain significance (1 of 4 stars; one submission).

Submission:

Ambry Genetics
Classification: Uncertain significance. Last evaluated: 2021-07-24. Review status: criteria provided, single submitter. Criteria: Ambry Variant Classification Scheme 2023. Collection method: clinical testing. Allele origin: germline.
Comment: The p.K1315N variant (also known as c.3945A>C), located in coding exon 4 of the ALPK2 gene, results from an A to C substitution at nucleotide position 3945. The lysine at codon 1315 is replaced by asparagine, an amino acid with similar properties. This amino acid position is conserved. In addition, this alteration is predicted to be tolerated by in silico analysis. Since supporting evidence is limited at this time, the clinical significance of this alteration remains unclear.